The following is an entry in ClinVar:

ClinVar aggregate classification (germline): Uncertain significance (1 of 4 stars; one submission).

Conditions:
Inborn genetic diseases. Identifiers: MedGen C0950123, MeSH D030342.

Submission:

Ambry Genetics
Classification: Uncertain significance for Inborn genetic diseases. Last evaluated: 2026-03-18. Review status: criteria provided, single submitter. Criteria: Ambry Variant Classification Scheme 2023. Collection method: clinical testing. Allele origin: germline.
Comment: The p.S253G variant (also known as c.757A>G), located in coding exon 7 of the BUB1B gene, results from an A to G substitution at nucleotide position 757. The serine at codon 253 is replaced by glycine, an amino acid with similar properties. This amino acid position is conserved. In addition, this alteration is predicted to be tolerated by in silico analysis. Based on the available evidence, the clinical significance of this variant remains unclear.

NM_001211.6(BUB1B):c.757A>G (p.Ser253Gly)

Gene: BUB1B (BUB1 mitotic checkpoint serine/threonine kinase B; plus strand). Cytogenetic location: 15q15.1.
Variant type: single nucleotide variant.
Coding change: c.757A>G on transcript NM_001211.6 (MANE Select); coding-DNA position 757, A replaced by G.
Protein change: p.Ser253Gly; replaces serine 253 with glycine.
Molecular consequence: missense variant.
Genome position (GRCh38, 1-based): chr15:40,185,170, A>G. VCF-style: chr15-40185170-A-G. GRCh37 (hg19) VCF-style: chr15-40477371-A-G.
Other names: short protein forms S253G.
Identifiers: ClinVar variation 4867980 (VCV004867980.1).